The following is an entry in ClinVar:

NM_003052.5(SLC34A1):c.1495C>T (p.Arg499Cys)

Gene: SLC34A1 (solute carrier family 34 member 1; plus strand). Cytogenetic location: 5q35.3.
Variant type: single nucleotide variant.
Coding change: c.1495C>T on transcript NM_003052.5 (MANE Select); coding-DNA position 1495, C replaced by T.
Protein change: p.Arg499Cys; replaces arginine 499 with cysteine.
Molecular consequence: missense variant.
Genome position (GRCh38, 1-based): chr5:177,397,861, C>T. VCF-style: chr5-177397861-C-T. GRCh37 (hg19) VCF-style: chr5-176824862-C-T.
Other names: c.1495C>T (NM_003052.4); short protein forms R499C.
Identifiers: ClinVar variation 3592148 (VCV003592148.2).
Genomic context (GRCh38, chr5:177,397,861, plus strand): 5'-TTCTTCAACATCTCGGGTATCCTTCTGTGGTACCCGGTGCCCTGCACACGCCTGCCCATC[C>T]GCATGGCCAAGGCGCTGGGGAAACGCACGGCCAAGTACCGCTGGTTTGCCGTCCTCTATC-3'
Protein context (NP_003043.3, residues 489-509): YPVPCTRLPI[Arg499Cys]MAKALGKRTA

ClinVar aggregate classification (germline): Uncertain significance. Review status: criteria provided, multiple submitters, no conflicts (2 of 4 stars). 2 submissions from 2 submitters: Uncertain significance (2). Last evaluated 2025-04-14.

Conditions:
Hypophosphatemic nephrolithiasis/osteoporosis 1. Identifiers: Orphanet 244305, MedGen C2676786, MONDO:0012850, OMIM 612286.
Fanconi renotubular syndrome 2 (FRTS2). Identifiers: MedGen C3150652, MONDO:0013247, OMIM 613388.
Hypercalcemia, infantile, 2 (HCINF2). Identifiers: Orphanet 300547, MedGen C4310473, MONDO:0014851, OMIM 616963.

gnomAD v4.1: 23 of 1,613,750 alleles (0.0014%); highest among the groups gnomAD compares: South Asian, 0.0066%; no homozygotes.

Submissions (2):

GeneDx
Classification: Uncertain significance. Last evaluated: 2025-04-14. Review status: criteria provided, single submitter. Criteria: GeneDx Variant Classification Process June 2021. Collection method: clinical testing. Allele origin: germline. Affected: yes.
Comment: In silico analysis supports that this missense variant has a deleterious effect on protein structure/function; Has not been previously published as pathogenic or benign to our knowledge

Fulgent Genetics
Classification: Uncertain significance for Hypophosphatemic nephrolithiasis/osteoporosis 1; Fanconi renotubular syndrome 2; Hypercalcemia, infantile, 2. Last evaluated: 2024-01-20. Review status: criteria provided, single submitter. Criteria: ACMG Guidelines, 2015. Collection method: clinical testing. Allele origin: germline.